The following is an entry in ClinVar:

ClinVar aggregate classification (germline): Likely benign (1 of 4 stars; one submission).

gnomAD v4.1: 1,645 of 1,473,686 alleles (0.11%); highest among the groups gnomAD compares: Admixed American, 0.58%; 3 homozygotes.

Submission:

Molecular Diagnostic Laboratory for Inherited Cardiovascular Disease, Montreal Heart Institute
Classification: Likely benign. Last evaluated: 2026-03-27. Review status: criteria provided, single submitter. Criteria: ACMG Guidelines, 2015. Collection method: clinical testing. Allele origin: germline. Affected: no.
Comment: BS1;BP4

NM_006663.4(PPP1R13L):c.1163G>A (p.Ser388Asn)

Gene: PPP1R13L (protein phosphatase 1 regulatory subunit 13 like; minus strand). Cytogenetic location: 19q13.32.
Variant type: single nucleotide variant.
Coding change: c.1163G>A on transcript NM_006663.4 (MANE Select); coding-DNA position 1163, G replaced by A.
Protein change: p.Ser388Asn; replaces serine 388 with asparagine.
Molecular consequence: missense variant.
Genome position (GRCh38, 1-based): chr19:45,395,627, C>T on the plus strand (G>A on the coding strand, the complement: PPP1R13L is on the minus strand). VCF-style: chr19-45395627-C-T. GRCh37 (hg19) VCF-style: chr19-45898885-C-T.
Other names: c.1163G>A, p.Ser388Asn (NM_001142502.2); short protein forms S388N.
Identifiers: ClinVar variation 4820530 (VCV004820530.1), dbSNP rs201478913.